The following is an entry in ClinVar:

ClinVar aggregate classification (germline): Pathogenic (1 of 4 stars; one submission).

Allele frequency attached by ClinVar (database versions not stated): gnomAD exomes below 0.00001 and 0.00001; ExAC 0.00002.

Submission:

Labcorp Genetics (formerly Invitae), Labcorp
Classification: Pathogenic. Last evaluated: 2021-08-05. Review status: criteria provided, single submitter. Criteria: Invitae Variant Classification Sherloc (09022015). Collection method: clinical testing. Allele origin: germline.
Comment: For these reasons, this variant has been classified as Pathogenic. This sequence change creates a premature translational stop signal (p.Gly330Glufs*8) in the MERTK gene. It is expected to result in an absent or disrupted protein product. Loss-of-function variants in MERTK are known to be pathogenic (PMID: 24265693, 29659094). This variant is present in population databases (rs777350533, ExAC 0.004%). This premature translational stop signal has been observed in individual(s) with MERTK-related conditions (PMID: 29659094).

Literature cited by the submitters: PubMed 24265693; PubMed 29659094.

NM_006343.3(MERTK):c.985_988dup (p.Gly330fs)

Genes: MERTK (MER proto-oncogene, tyrosine kinase; plus strand), LOC112806037 (Sharpr-MPRA regulatory region 3720; plus strand). Cytogenetic location: 2q13.
Variant type: Duplication.
Coding change: c.985_988dup on transcript NM_006343.3 (MANE Select); coding-DNA positions 985 to 988, 4 bases duplicated (AATG; older notation c.985_988dupAATG).
Protein change: p.Gly330fs; shifts the reading frame from glycine 330.
Molecular consequence: frameshift variant.
Genome position (GRCh38, 1-based): chr2:111,975,313-111,975,316, AATG duplicated. VCF-style (leftmost placement, unchanged base first): chr2-111975312-T-TAATG. GRCh37 (hg19) VCF-style: chr2-112732889-T-TAATG.
Other names: short protein forms G330fs.
Identifiers: ClinVar variation 1455039 (VCV001455039.6), dbSNP rs777350533, ClinGen allele CA1831253.